The following is an entry in ClinVar:

ClinVar aggregate classification (germline): Uncertain significance. Review status: criteria provided, multiple submitters, no conflicts (2 of 4 stars). 3 submissions from 3 submitters: Uncertain significance (3). Last evaluated 2023-10-13.

Conditions:
Inborn genetic diseases. Identifiers: MedGen C0950123, MeSH D030342.
Developmental and epileptic encephalopathy, 18 (DEE18). Also called: Early infantile epileptic encephalopathy 18. Identifiers: Orphanet 369894, MedGen C3809624, MONDO:0014201, OMIM 615476.

gnomAD v4.1: 40 of 1,594,880 alleles (0.0025%); highest among the groups gnomAD compares: South Asian, 0.04%; 1 homozygote.

Submissions (3):

Labcorp Genetics (formerly Invitae), Labcorp
Classification: Uncertain significance. Last evaluated: 2023-10-13. Review status: criteria provided, single submitter. Criteria: Invitae Variant Classification Sherloc (09022015). Collection method: clinical testing. Allele origin: germline.
Comment: This sequence change replaces arginine, which is basic and polar, with leucine, which is neutral and non-polar, at codon 414 of the SZT2 protein (p.Arg414Leu). This variant is present in population databases (rs757989403, gnomAD 0.03%). This variant has not been reported in the literature in individuals affected with SZT2-related conditions. ClinVar contains an entry for this variant (Variation ID: 658021). Advanced modeling of protein sequence and biophysical properties (such as structural, functional, and spatial information, amino acid conservation, physicochemical variation, residue mobility, and thermodynamic stability) has been performed at Invitae for this missense variant, however the output from this modeling did not meet the statistical confidence thresholds required to predict the impact of this variant on SZT2 protein function. In summary, the available evidence is currently insufficient to determine the role of this variant in disease. Therefore, it has been classified as a Variant of Uncertain Significance.

Genome-Nilou Lab
Classification: Uncertain significance for Developmental and epileptic encephalopathy, 18. Last evaluated: 2023-04-11. Review status: criteria provided, single submitter. Criteria: ACMG Guidelines, 2015. Collection method: clinical testing. Allele origin: germline. Affected: no.

Ambry Genetics
Classification: Uncertain significance for Inborn genetic diseases. Last evaluated: 2022-09-22. Review status: criteria provided, single submitter. Criteria: Ambry Variant Classification Scheme 2023. Collection method: clinical testing. Allele origin: germline.

NM_001365999.1(SZT2):c.1241G>T (p.Arg414Leu)

Gene: SZT2 (SZT2 subunit of KICSTOR complex; plus strand). Cytogenetic location: 1p34.2.
Variant type: single nucleotide variant.
Coding change: c.1241G>T on transcript NM_001365999.1 (MANE Select); coding-DNA position 1241, G replaced by T.
Protein change: p.Arg414Leu; replaces arginine 414 with leucine.
Molecular consequence: missense variant.
Genome position (GRCh38, 1-based): chr1:43,420,303, G>T. VCF-style: chr1-43420303-G-T. GRCh37 (hg19) VCF-style: chr1-43885974-G-T.
Other names: c.1241G>T, p.Arg414Leu (NM_015284.4); short protein forms R414L.
Identifiers: ClinVar variation 658021 (VCV000658021.9), dbSNP rs757989403, ClinGen allele CA808358.
Genomic context (GRCh38, chr1:43,420,303, plus strand): 5'-AGGTGCCAGCCGACTTGGTCAGCACTGTGTCCGTACGGCTTCGAGAGGGCTACAGTGTCC[G>T]AGAGGTCACACTGGCCAAAGGTAAGGGTCATTAGGCCCTGCTGTAATCCCATAGATCTCT-3'
Protein context (NP_001352928.1, residues 404-424): SVRLREGYSV[Arg414Leu]EVTLAKGGSQ